The following is an entry in ClinVar:

ClinVar aggregate classification (germline): Uncertain significance (1 of 4 stars; one submission).

Submission:

GeneDx
Classification: Uncertain significance. Last evaluated: 2024-09-27. Review status: criteria provided, single submitter. Criteria: GeneDx Variant Classification Process June 2021. Collection method: clinical testing. Allele origin: germline. Affected: yes.
Comment: Not observed at significant frequency in large population cohorts (gnomAD); In silico analysis supports that this missense variant has a deleterious effect on protein structure/function; Has not been previously published as pathogenic or benign to our knowledge

NM_006005.3(WFS1):c.2402A>C (p.Asp801Ala)

Gene: WFS1 (wolframin ER transmembrane glycoprotein; plus strand). Cytogenetic location: 4p16.1.
Variant type: single nucleotide variant.
Coding change: c.2402A>C on transcript NM_006005.3 (MANE Select); coding-DNA position 2402, A replaced by C.
Protein change: p.Asp801Ala; replaces aspartic acid 801 with alanine.
Molecular consequence: missense variant.
Genome position (GRCh38, 1-based): chr4:6,302,197, A>C. VCF-style: chr4-6302197-A-C. GRCh37 (hg19) VCF-style: chr4-6303924-A-C.
Other names: c.2402A>C, p.Asp801Ala (NM_001145853.1); short protein forms D801A.
Identifiers: ClinVar variation 3774798 (VCV003774798.1).
Genomic context (GRCh38, chr4:6,302,197, plus strand): 5'-TGCCATTCAGCAGCGGCGCTGACGGCTCGCGCAGCCGCGAGGAGGACGACGTCACCAAGG[A>C]CATCGTGCTGCGGGCCAGCAGCGAGTTCAAGAGCGTGCTGCTCAGCCTGCGCCAGGGCAG-3'
Protein context (NP_005996.2, residues 791-811): RSREEDDVTK[Asp801Ala]IVLRASSEFK